The following is an entry in ClinVar:

NM_024334.3(TMEM43):c.45C>A (p.Val15=)

Gene: TMEM43 (transmembrane protein 43; plus strand). Cytogenetic location: 3p25.1.
Variant type: single nucleotide variant.
Coding change: c.45C>A on transcript NM_024334.3 (MANE Select); coding-DNA position 45, C replaced by A.
Protein change: p.Val15=; no amino-acid change (valine 15 retained).
Molecular consequence: synonymous variant.
Genome position (GRCh38, 1-based): chr3:14,129,444, C>A. VCF-style: chr3-14129444-C-A. GRCh37 (hg19) VCF-style: chr3-14170944-C-A.
Other names: p.V15V:GTC>GTA.
Identifiers: ClinVar variation 178137 (VCV000178137.28), dbSNP rs150334659, ClinGen allele CA024699.
Genomic context (GRCh38, chr3:14,129,444, plus strand): 5'-CATTCTGTTACTGTTTCTTTTTCTTCAGTATTCCAGTACCAGTACCCGGAGAGAACATGT[C>A]AAAGTTAAAACCAGCTCCCAGCCAGGCTTCCTGGAACGGCTGAGCGAGACCTCGGGTGGG-3'
Protein context (NP_077310.1, residues 5-25): YSSTSTRREH[Val15=]KVKTSSQPGF

ClinVar aggregate classification (germline): Benign/Likely benign. Review status: criteria provided, multiple submitters, no conflicts (2 of 4 stars). 11 submissions from 11 submitters: Benign (6); Likely benign (3). 2 of the submissions do not count toward it. Last evaluated 2026-03-27.

Conditions:
Cardiovascular phenotype. Identifiers: MedGen CN230736.
Cardiomyopathy (CMYO). Also called: Cardiomyopathies. Identifiers: Orphanet 167848, MedGen C0878544, MONDO:0004994, HP:0001638. Inheritance: Various modes of inheritance.
Arrhythmogenic right ventricular dysplasia 5. Also called: Arrhythmogenic Right Ventricular Dysplasia/Cardiomyopathy 5; ARRHYTHMOGENIC RIGHT VENTRICULAR DYSPLASIA, FAMILIAL, 5. Identifiers: MedGen C1858379, MONDO:0011459, OMIM 604400.

Allele frequency attached by ClinVar (database versions not stated): gnomAD exomes 0.00021; ExAC 0.00028; gnomAD 0.00041; 1000 Genomes Project 30x 0.00047; 1000 Genomes Project 0.00060; TOPMed 0.00074; ESP Exome Variant Server 0.00077.
gnomAD v4.1: 240 of 1,613,384 alleles (0.015%); highest among the groups gnomAD compares: African/African-American, 0.29%; 1 homozygote.

Submissions (12):

Molecular Diagnostic Laboratory for Inherited Cardiovascular Disease, Montreal Heart Institute
Classification: Benign. Last evaluated: 2026-03-27. Review status: criteria provided, single submitter. Criteria: ACMG Guidelines, 2015. Collection method: clinical testing. Allele origin: germline. Affected: no.
Comment: BS1;BP7

Labcorp Genetics (formerly Invitae), Labcorp
Classification: Benign for Arrhythmogenic right ventricular dysplasia 5. Last evaluated: 2026-01-31. Review status: criteria provided, single submitter. Criteria: Invitae Variant Classification Sherloc (09022015). Collection method: clinical testing. Allele origin: germline.

Blueprint Genetics
Classification: Likely benign. Last evaluated: 2024-10-15. Review status: criteria provided, single submitter. Criteria: ACMG Guidelines, 2015. Collection method: clinical testing. Allele origin: germline.

All of Us Research Program, National Institutes of Health
Classification: Benign for Arrhythmogenic right ventricular dysplasia 5. Last evaluated: 2024-02-05. Review status: criteria provided, single submitter. Criteria: ACMG Guidelines, 2015. Collection method: clinical testing. Allele origin: germline. Inheritance: Autosomal dominant inheritance. Observed: 38 variant alleles, 38 heterozygotes.
Comment: This study involves interpretation of variants in research participants for the purpose of population health screening. Participant phenotype was not available at the time of variant classification. Additional details can be found in publication PMID: 35346344, PMCID: PMC8962531

Women's Health and Genetics/Laboratory Corporation of America, LabCorp
Classification: Benign. Last evaluated: 2021-05-16. Review status: criteria provided, single submitter. Criteria: LabCorp Variant Classification Summary - May 2015. Collection method: clinical testing. Allele origin: germline.

Color Diagnostics, LLC DBA Color Health
Classification: Benign for Cardiomyopathy. Last evaluated: 2019-01-11. Review status: criteria provided, single submitter. Criteria: ACMG Guidelines, 2015. Collection method: clinical testing. Allele origin: germline.

Ambry Genetics
Classification: Likely benign for Cardiovascular phenotype. Last evaluated: 2017-12-29. Review status: criteria provided, single submitter. Criteria: Ambry Variant Classification Scheme 2023. Collection method: clinical testing. Allele origin: germline.

GeneDx
Classification: Benign. Last evaluated: 2014-07-10. Review status: criteria provided, single submitter. Criteria: GeneDx Variant Classification (06012015). Collection method: clinical testing. Allele origin: germline. Affected: yes.
Comment: This variant is considered likely benign or benign based on one or more of the following criteria: it is a conservative change, it occurs at a poorly conserved position in the protein, it is predicted to be benign by multiple in silico algorithms, and/or has population frequency not consistent with disease.

Laboratory for Molecular Medicine, Mass General Brigham Personalized Medicine
Classification: Likely benign. Last evaluated: 2012-03-19. Review status: criteria provided, single submitter. Criteria: LMM Criteria. Collection method: clinical testing. Allele origin: germline. Observed: 1 variant allele.
Comment: Val15Val in exon 2 of TMEM43: This variant is not expected to have clinical sign ificance because it does not alter an amino acid residue and is not located with in the splice consensus sequence. It has been identified in 0.2% (6/3738) of Afr ican American chromosomes from a broad population by the NHLBI Exome Sequencing Project (dbSNP rs150334659). Val15Val in exon 2 of TMEM43 (rs150334659; allele frequency = 0.2%, 6/3738) **

Clinical Genetics DNA and cytogenetics Diagnostics Lab, Erasmus MC, Erasmus Medical Center
Classification: Likely benign. Review status: no assertion criteria provided. Collection method: clinical testing. Allele origin: germline. Affected: yes. Study: VKGL Data-share Consensus. Not counted in ClinVar's aggregate classification.

Clinical Genetics, Academic Medical Center
Classification: Benign. Review status: no assertion criteria provided. Collection method: clinical testing. Allele origin: germline. Affected: yes. Study: VKGL Data-share Consensus. Not counted in ClinVar's aggregate classification.

Dr. Peter K. Rogan Lab, Western University
No classification provided (evidence only). Condition: Ovarian serous cystadenocarcinoma. Review status: no classification provided. Collection method: in vitro. Allele origin: not applicable. Functional consequence: retained intron. Not counted in ClinVar's aggregate classification.